The following is an entry in ClinVar:

ClinVar aggregate classification (germline): Uncertain significance. Review status: criteria provided, multiple submitters, no conflicts (2 of 4 stars). 2 submissions from 2 submitters: Uncertain significance (2). Last evaluated 2025-01-06.

Conditions:
Infantile-onset ascending hereditary spastic paralysis (IAHSP). Also called: Infantile-Onset Ascending Hereditary Spastic Paralysis (IAHSP); Autosomal Recessive Juvenile Amyotrophic Lateral Sclerosis. Identifiers: Orphanet 293168, MedGen C2931441, MONDO:0011797, OMIM 607225. Disease mechanism: loss of function.

Submissions (2):

Labcorp Genetics (formerly Invitae), Labcorp
Classification: Uncertain significance for Infantile-onset ascending hereditary spastic paralysis. Last evaluated: 2025-01-06. Review status: criteria provided, single submitter. Criteria: Invitae Variant Classification Sherloc (09022015). Collection method: clinical testing. Allele origin: germline.
Comment: This sequence change replaces isoleucine, which is neutral and non-polar, with threonine, which is neutral and polar, at codon 562 of the ALS2 protein (p.Ile562Thr). This variant is not present in population databases (gnomAD no frequency). This variant has not been reported in the literature in individuals affected with ALS2-related conditions. ClinVar contains an entry for this variant (Variation ID: 1223676). Invitae Evidence Modeling of protein sequence and biophysical properties (such as structural, functional, and spatial information, amino acid conservation, physicochemical variation, residue mobility, and thermodynamic stability) indicates that this missense variant is not expected to disrupt ALS2 protein function with a negative predictive value of 80%. In summary, the available evidence is currently insufficient to determine the role of this variant in disease. Therefore, it has been classified as a Variant of Uncertain Significance.

GeneDx
Classification: Uncertain significance. Last evaluated: 2021-06-17. Review status: criteria provided, single submitter. Criteria: GeneDx Variant Classification Process June 2021. Collection method: clinical testing. Allele origin: germline. Affected: yes.
Comment: Not observed at significant frequency in large population cohorts (Lek et al., 2016); In silico analysis supports that this missense variant does not alter protein structure/function; Has not been previously published as pathogenic or benign to our knowledge; This variant is associated with the following publications: (PMID: 27535533)

NM_020919.4(ALS2):c.1685T>C (p.Ile562Thr)

Gene: ALS2 (alsin Rho guanine nucleotide exchange factor ALS2; minus strand). Cytogenetic location: 2q33.1.
Variant type: single nucleotide variant.
Coding change: c.1685T>C on transcript NM_020919.4 (MANE Select); coding-DNA position 1685, T replaced by C.
Protein change: p.Ile562Thr; replaces isoleucine 562 with threonine.
Molecular consequence: missense variant.
Genome position (GRCh38, 1-based): chr2:201,753,198, A>G on the plus strand (T>C on the coding strand, the complement: ALS2 is on the minus strand). VCF-style: chr2-201753198-A-G. GRCh37 (hg19) VCF-style: chr2-202617921-A-G.
Other names: short protein forms I562T.
Identifiers: ClinVar variation 1223676 (VCV001223676.11), dbSNP rs2106071633, ClinGen allele CA350325981.